The following is an entry in ClinVar:

NM_001370259.2(MEN1):c.666C>A (p.Tyr222Ter)

Gene: MEN1 (menin 1; minus strand). Cytogenetic location: 11q13.1.
Variant type: single nucleotide variant.
Coding change: c.666C>A on transcript NM_001370259.2 (MANE Select); coding-DNA position 666, C replaced by A.
Protein change: p.Tyr222Ter; replaces tyrosine 222 with a stop codon.
Molecular consequence: nonsense.
Genome position (GRCh38, 1-based): chr11:64,807,669, G>T on the plus strand (C>A on the coding strand, the complement: MEN1 is on the minus strand). VCF-style: chr11-64807669-G-T. GRCh37 (hg19) VCF-style: chr11-64575141-G-T.
Other names: c.681C>A, p.Tyr227Ter (NM_000244.4, NM_130800.3, NM_130801.3 and 3 more transcripts); c.666C>A, p.Tyr222Ter (NM_001370251.2, NM_001370260.2, NM_001370261.2 and 1 more transcripts); c.561C>A, p.Tyr187Ter (NM_001370262.2, NM_001370263.2); short protein forms Y227*, Y222*, Y187*.
Identifiers: ClinVar variation 826542 (VCV000826542.6), dbSNP rs1555165597, ClinGen allele CA381185212.

ClinVar aggregate classification (germline): Pathogenic. Review status: criteria provided, multiple submitters, no conflicts (2 of 4 stars). 2 submissions from 2 submitters: Pathogenic (2). Last evaluated 2026-09-03.

Conditions:
MEN1-related disorder. Also called: MEN1-related condition.
Hereditary cancer-predisposing syndrome. Also called: Neoplastic Syndromes, Hereditary; Hereditary Cancer Syndrome; Tumor predisposition; Hereditary neoplastic syndrome. Identifiers: Orphanet 140162, MedGen C0027672, MeSH D009386, MONDO:0015356.

Submissions (2):

PreventionGenetics, part of Exact Sciences
Classification: Pathogenic for MEN1-related condition. Last evaluated: 2026-09-03. Review status: criteria provided, single submitter. Criteria: ACMG Guidelines, 2015. Collection method: clinical testing. Allele origin: germline.
Comment: The MEN1 c.666C>A variant is predicted to result in premature protein termination (p.Tyr222*). This variant was reported in an individual with multiple endocrine neoplasia 1 (Witchel et al. 2009. PubMed ID: 19205629). This variant has not been reported in a large population database (gnomAD), indicating this variant is rare. This variant is interpreted as pathogenic in ClinVar (Variation ID: 826542). Nonsense variants in MEN1 are expected to be pathogenic. This variant is interpreted as pathogenic.

Ambry Genetics
Classification: Pathogenic for Hereditary cancer-predisposing syndrome. Last evaluated: 2018-04-27. Review status: criteria provided, single submitter. Criteria: Ambry Variant Classification Scheme 2023. Collection method: clinical testing. Allele origin: germline.
Comment: The p.Y222* pathogenic mutation (also known as c.666C>A), located in coding exon 3 of the MEN1 gene, results from a C to A substitution at nucleotide position 666. This changes the amino acid from a tyrosine to a stop codon within coding exon 3. This alteration is expected to result in loss of function by premature protein truncation or nonsense-mediated mRNA decay. As such, this alteration is interpreted as a disease-causing mutation.